The following is an entry in ClinVar:

NM_001330260.2(SCN8A):c.3645+112G>A

Gene: SCN8A (sodium voltage-gated channel alpha subunit 8; plus strand). Cytogenetic location: 12q13.13.
Variant type: single nucleotide variant.
Coding change: c.3645+112G>A on transcript NM_001330260.2 (MANE Select); 112 bases into the intron after coding-DNA position 3645, G replaced by A.
Molecular consequence: intron variant.
Genome position (GRCh38, 1-based): chr12:51,770,795, G>A. VCF-style: chr12-51770795-G-A. GRCh37 (hg19) VCF-style: chr12-52164579-G-A.
Other names: c.3645+112G>A (NM_014191.4, NM_001177984.3, NM_001369788.1).
Identifiers: ClinVar variation 676006 (VCV000676006.1), dbSNP rs188166845, ClinGen allele CA236319640.
Genomic context (GRCh38, chr12:51,770,795, plus strand): 5'-GAAGCCAGTGGGAAAAGGCTGAGGCCAAAGCCCAGTGGCTCTGAAAACAGATTGGCTGTG[G>A]TCCCAAGAAGAATGATCTGTTAAAGTGCTTTAGGCTGCTGCTTTGAGCCTGTGGGATTAG-3'

ClinVar aggregate classification (germline): Likely benign (1 of 4 stars; one submission).

Allele frequency attached by ClinVar (database versions not stated): gnomAD exomes 0.00096; gnomAD 0.01020 and 0.01095; 1000 Genomes Project 0.01258; TOPMed 0.01263; 1000 Genomes Project 30x 0.01359.
gnomAD v4.1: 2,517 of 1,114,096 alleles (0.23%); highest among the groups gnomAD compares: African/African-American, 3.4%; 35 homozygotes.

Submission:

GeneDx
Classification: Likely benign. Last evaluated: 2018-06-19. Review status: criteria provided, single submitter. Criteria: GeneDx Variant Classification (06012015). Collection method: clinical testing. Allele origin: germline. Affected: yes.
Comment: This variant is considered likely benign or benign based on one or more of the following criteria: it is a conservative change, it occurs at a poorly conserved position in the protein, it is predicted to be benign by multiple in silico algorithms, and/or has population frequency not consistent with disease.